The following is an entry in ClinVar:

ClinVar aggregate classification (germline): Uncertain significance (1 of 4 stars; one submission).

Conditions:
Bardet-Biedl syndrome (BBS). Identifiers: Orphanet 110, MedGen C0752166, MONDO:0015229.

Allele frequency attached by ClinVar (database versions not stated): ExAC 0.00001.
gnomAD v4.1: 3 of 1,613,548 alleles (0.00019%); highest among the groups gnomAD compares: East Asian, 0.0067%; no homozygotes.

Submission:

Labcorp Genetics (formerly Invitae), Labcorp
Classification: Uncertain significance for Bardet-Biedl syndrome. Last evaluated: 2022-04-13. Review status: criteria provided, single submitter. Criteria: Invitae Variant Classification Sherloc (09022015). Collection method: clinical testing. Allele origin: germline.
Comment: This sequence change replaces alanine, which is neutral and non-polar, with glycine, which is neutral and non-polar, at codon 274 of the BBS7 protein (p.Ala274Gly). This variant is present in population databases (rs754878470, gnomAD 0.01%). This variant has not been reported in the literature in individuals affected with BBS7-related conditions. Algorithms developed to predict the effect of missense changes on protein structure and function (SIFT, PolyPhen-2, Align-GVGD) all suggest that this variant is likely to be tolerated. In summary, the available evidence is currently insufficient to determine the role of this variant in disease. Therefore, it has been classified as a Variant of Uncertain Significance.

NM_176824.3(BBS7):c.821C>G (p.Ala274Gly)

Gene: BBS7 (Bardet-Biedl syndrome 7; minus strand). Cytogenetic location: 4q27.
Variant type: single nucleotide variant.
Coding change: c.821C>G on transcript NM_176824.3 (MANE Select); coding-DNA position 821, C replaced by G.
Protein change: p.Ala274Gly; replaces alanine 274 with glycine.
Molecular consequence: missense variant.
Genome position (GRCh38, 1-based): chr4:121,852,984, G>C on the plus strand (C>G on the coding strand, the complement: BBS7 is on the minus strand). VCF-style: chr4-121852984-G-C. GRCh37 (hg19) VCF-style: chr4-122774139-G-C.
Other names: c.821C>G, p.Ala274Gly (NM_018190.4); c.821C>G (NM_176824.2); short protein forms A274G.
Identifiers: ClinVar variation 2128705 (VCV002128705.2), dbSNP rs754878470, ClinGen allele CA3064404.